The following is an entry in ClinVar:

NM_001035.3(RYR2):c.13957-13C>G

Gene: RYR2 (ryanodine receptor 2; plus strand). Cytogenetic location: 1q43.
Variant type: single nucleotide variant.
Coding change: c.13957-13C>G on transcript NM_001035.3 (MANE Select); 13 bases into the intron before coding-DNA position 13957, C replaced by G.
Molecular consequence: intron variant.
Genome position (GRCh38, 1-based): chr1:237,798,024, C>G. VCF-style: chr1-237798024-C-G. GRCh37 (hg19) VCF-style: chr1-237961324-C-G.
Identifiers: ClinVar variation 927526 (VCV000927526.3), dbSNP rs1659469270, ClinGen allele CA1139656711.

ClinVar aggregate classification (germline): Uncertain significance (1 of 4 stars; one submission).

Conditions:
Cardiomyopathy (CMYO). Also called: Cardiomyopathies. Identifiers: Orphanet 167848, MedGen C0878544, MONDO:0004994, HP:0001638. Inheritance: Various modes of inheritance.

Allele frequency attached by ClinVar (database versions not stated): gnomAD exomes 0.00001.
gnomAD v4.1: 11 of 1,601,520 alleles (0.00069%); highest among the groups gnomAD compares: Non-Finnish European, 0.00085%; no homozygotes.

Submission:

Color Diagnostics, LLC DBA Color Health
Classification: Uncertain significance for Cardiomyopathy. Last evaluated: 2019-11-15. Review status: criteria provided, single submitter. Criteria: ACMG Guidelines, 2015. Collection method: clinical testing. Allele origin: germline.
Comment: This variant causes a C>G nucleotide substitution at the -13 position of intron 96 of the RYR2 gene. Splice site prediction tools and conservation analysis are inconclusive regarding the impact of this variant on RNA splicing. To our knowledge, functional studies have not been performed for this variant. This variant has not been reported in individuals affected with cardiovascular disorders in the literature. This variant has not been identified in the general population by the Genome Aggregation Database (gnomAD). The available evidence is insufficient to determine the role of this variant in disease conclusively. Therefore, this variant is classified as a Variant of Uncertain Significance.